The following is an entry in ClinVar:

ClinVar aggregate classification (germline): Benign/Likely benign. Review status: criteria provided, multiple submitters, no conflicts (2 of 4 stars). 4 submissions from 4 submitters: Benign (1); Likely benign (3). Last evaluated 2026-04-22.

Conditions:
ANKRD1-related dilated cardiomyopathy. Identifiers: MedGen CN119551.
ANKRD1-related disorder. Also called: ANKRD1-related condition.
Cardiovascular phenotype. Identifiers: MedGen CN230736.

Allele frequency attached by ClinVar (database versions not stated): TOPMed 0.00008; ExAC 0.00011; gnomAD exomes 0.00015.

Submissions (4):

PreventionGenetics, part of Exact Sciences
Classification: Likely benign for ANKRD1-related condition. Last evaluated: 2026-04-22. Review status: criteria provided, single submitter. Criteria: ACMG Guidelines, 2015. Collection method: clinical testing. Allele origin: germline.
Comment: This variant is classified as likely benign based on ACMG/AMP sequence variant interpretation guidelines (Richards et al. 2015 PMID: 25741868, with internal and published modifications).

Labcorp Genetics (formerly Invitae), Labcorp
Classification: Benign for ANKRD1-related dilated cardiomyopathy. Last evaluated: 2025-07-29. Review status: criteria provided, single submitter. Criteria: Invitae Variant Classification Sherloc (09022015). Collection method: clinical testing. Allele origin: germline.

Ambry Genetics
Classification: Likely benign for Cardiovascular phenotype. Last evaluated: 2019-12-23. Review status: criteria provided, single submitter. Criteria: Ambry Variant Classification Scheme 2023. Collection method: clinical testing. Allele origin: germline.

GeneDx
Classification: Likely benign. Last evaluated: 2018-08-02. Review status: criteria provided, single submitter. Criteria: GeneDx Variant Classification Process June 2021. Collection method: clinical testing. Allele origin: germline. Affected: yes.

NM_014391.3(ANKRD1):c.603T>G (p.Val201=)

Gene: ANKRD1 (ankyrin repeat domain 1; minus strand). Cytogenetic location: 10q23.31.
Variant type: single nucleotide variant.
Coding change: c.603T>G on transcript NM_014391.3 (MANE Select); coding-DNA position 603, T replaced by G.
Protein change: p.Val201=; no amino-acid change (valine 201 retained).
Molecular consequence: synonymous variant.
Genome position (GRCh38, 1-based): chr10:90,916,219, A>C on the plus strand (T>G on the coding strand, the complement: ANKRD1 is on the minus strand). VCF-style: chr10-90916219-A-C. GRCh37 (hg19) VCF-style: chr10-92675976-A-C.
Identifiers: ClinVar variation 701334 (VCV000701334.14), dbSNP rs781049118, ClinGen allele CA5598682.